The following is an entry in ClinVar:

ClinVar aggregate classification (germline): Uncertain significance. Review status: criteria provided, multiple submitters, no conflicts (2 of 4 stars). 2 submissions from 2 submitters: Uncertain significance (2). Last evaluated 2025-10-13.

Conditions:
Inborn genetic diseases. Identifiers: MedGen C0950123, MeSH D030342.
Bethlem myopathy 1A. Also called: Bethlem myopathy 1; Bethlem Muscular Dystrophy; MYOPATHY, BENIGN CONGENITAL, WITH CONTRACTURES. Identifiers: Orphanet 610, MedGen CN029274, MONDO:0024530, OMIM 158810.

gnomAD v4.1: 23 of 1,614,052 alleles (0.0014%); highest among the groups gnomAD compares: Non-Finnish European, 0.0018%; no homozygotes.

Submissions (2):

Labcorp Genetics (formerly Invitae), Labcorp
Classification: Uncertain significance for Bethlem myopathy 1A. Last evaluated: 2025-10-13. Review status: criteria provided, single submitter. Criteria: Invitae Variant Classification Sherloc (09022015). Collection method: clinical testing. Allele origin: germline.
Comment: This sequence change replaces threonine, which is neutral and polar, with lysine, which is basic and polar, at codon 910 of the COL6A3 protein (p.Thr910Lys). This variant is present in population databases (no rsID available, gnomAD 0.0009%). This variant has not been reported in the literature in individuals affected with COL6A3-related conditions. ClinVar contains an entry for this variant (Variation ID: 1371338). Invitae Evidence Modeling of protein sequence and biophysical properties (such as structural, functional, and spatial information, amino acid conservation, physicochemical variation, residue mobility, and thermodynamic stability) indicates that this missense variant is not expected to disrupt COL6A3 protein function with a negative predictive value of 80%. In summary, the available evidence is currently insufficient to determine the role of this variant in disease. Therefore, it has been classified as a Variant of Uncertain Significance.

Ambry Genetics
Classification: Uncertain significance for Inborn genetic diseases. Last evaluated: 2025-08-01. Review status: criteria provided, single submitter. Criteria: Ambry Variant Classification Scheme 2023. Collection method: clinical testing. Allele origin: germline.

NM_004369.4(COL6A3):c.2729C>A (p.Thr910Lys)

Gene: COL6A3 (collagen type VI alpha 3 chain; minus strand). Cytogenetic location: 2q37.3.
Variant type: single nucleotide variant.
Coding change: c.2729C>A on transcript NM_004369.4 (MANE Select); coding-DNA position 2729, C replaced by A.
Protein change: p.Thr910Lys; replaces threonine 910 with lysine.
Molecular consequence: missense variant.
Genome position (GRCh38, 1-based): chr2:237,377,113, G>T on the plus strand (C>A on the coding strand, the complement: COL6A3 is on the minus strand). VCF-style: chr2-237377113-G-T. GRCh37 (hg19) VCF-style: chr2-238285756-G-T.
Other names: c.1508C>A, p.Thr503Lys (NM_057164.5); c.2111C>A, p.Thr704Lys (NM_057165.5, NM_057167.4); c.908C>A, p.Thr303Lys (NM_057166.5); c.2729C>A (NM_004369.3); short protein forms T303K, T503K, T704K, T910K.
Identifiers: ClinVar variation 1371338 (VCV001371338.7), dbSNP rs189356869, ClinGen allele CA67825481.